The following is an entry in ClinVar:

NM_001942.4(DSG1):c.781G>A (p.Asp261Asn)

Gene: DSG1 (desmoglein 1; plus strand). Cytogenetic location: 18q12.1.
Variant type: single nucleotide variant.
Coding change: c.781G>A on transcript NM_001942.4 (MANE Select); coding-DNA position 781, G replaced by A.
Protein change: p.Asp261Asn; replaces aspartic acid 261 with asparagine.
Molecular consequence: missense variant.
Genome position (GRCh38, 1-based): chr18:31,333,685, G>A. VCF-style: chr18-31333685-G-A. GRCh37 (hg19) VCF-style: chr18-28913648-G-A.
Other names: short protein forms D261N.
Identifiers: ClinVar variation 4777133 (VCV004777133.1).

ClinVar aggregate classification (germline): Uncertain significance (1 of 4 stars; one submission).

Submission:

Labcorp Genetics (formerly Invitae), Labcorp
Classification: Uncertain significance. Last evaluated: 2025-07-16. Review status: criteria provided, single submitter. Criteria: Invitae Variant Classification Sherloc (09022015). Collection method: clinical testing. Allele origin: germline.
Comment: This sequence change replaces aspartic acid, which is acidic and polar, with asparagine, which is neutral and polar, at codon 261 of the DSG1 protein (p.Asp261Asn). This variant is not present in population databases (gnomAD no frequency). This variant has not been reported in the literature in individuals affected with DSG1-related conditions. Invitae Evidence Modeling of protein sequence and biophysical properties (such as structural, functional, and spatial information, amino acid conservation, physicochemical variation, residue mobility, and thermodynamic stability) indicates that this missense variant is not expected to disrupt DSG1 protein function with a negative predictive value of 80%. In summary, the available evidence is currently insufficient to determine the role of this variant in disease. Therefore, it has been classified as a Variant of Uncertain Significance.